The following is an entry in ClinVar:

ClinVar aggregate classification (germline): Uncertain significance (1 of 4 stars; one submission).

Conditions:
Renal cell carcinoma. Identifiers: Orphanet 217071, MedGen C0007134, MeSH D002292, MONDO:0005086, HP:0005584.

Submission:

Labcorp Genetics (formerly Invitae), Labcorp
Classification: Uncertain significance for Renal cell carcinoma. Last evaluated: 2025-09-16. Review status: criteria provided, single submitter. Criteria: Invitae Variant Classification Sherloc (09022015). Collection method: clinical testing. Allele origin: germline.
Comment: This sequence change replaces threonine, which is neutral and polar, with serine, which is neutral and polar, at codon 651 of the MET protein (p.Thr651Ser). This variant is not present in population databases (gnomAD no frequency). This variant has not been reported in the literature in individuals affected with MET-related conditions. Invitae Evidence Modeling of protein sequence and biophysical properties (such as structural, functional, and spatial information, amino acid conservation, physicochemical variation, residue mobility, and thermodynamic stability) indicates that this missense variant is not expected to disrupt MET protein function with a negative predictive value of 80%. In summary, the available evidence is currently insufficient to determine the role of this variant in disease. Therefore, it has been classified as a Variant of Uncertain Significance.

NM_000245.4(MET):c.1951A>T (p.Thr651Ser)

Gene: MET (MET proto-oncogene, receptor tyrosine kinase; plus strand). Cytogenetic location: 7q31.2.
Variant type: single nucleotide variant.
Coding change: c.1951A>T on transcript NM_000245.4 (MANE Select); coding-DNA position 1951, A replaced by T.
Protein change: p.Thr651Ser; replaces threonine 651 with serine.
Molecular consequence: missense variant.
Genome position (GRCh38, 1-based): chr7:116,757,525, A>T. VCF-style: chr7-116757525-A-T. GRCh37 (hg19) VCF-style: chr7-116397579-A-T.
Other names: c.1951A>T, p.Thr651Ser (NM_001127500.3, NM_001324401.3); c.661A>T, p.Thr221Ser (NM_001324402.2); short protein forms T221S, T651S.
Identifiers: ClinVar variation 4744683 (VCV004744683.1).